The following is an entry in ClinVar:

ClinVar aggregate classification (germline): Uncertain significance (1 of 4 stars; one submission).

Submission:

Greenwood Genetic Center Diagnostic Laboratories, Greenwood Genetic Center
Classification: Uncertain significance. Last evaluated: 2024-04-30. Review status: criteria provided, single submitter. Criteria: ACMG Guidelines, 2015. Collection method: clinical testing. Allele origin: germline. Affected: yes.
Comment: PM2

NM_001429.4(EP300):c.94+4815C>T

Gene: EP300 (E1A binding protein p300; plus strand). Cytogenetic location: 22q13.2.
Variant type: single nucleotide variant.
Coding change: c.94+4815C>T on transcript NM_001429.4 (MANE Select); 4815 bases into the intron after coding-DNA position 94, C replaced by T.
Molecular consequence: intron variant.
Genome position (GRCh38, 1-based): chr22:41,097,913, C>T. VCF-style: chr22-41097913-C-T. GRCh37 (hg19) VCF-style: chr22-41493917-C-T.
Other names: c.94+4815C>T (NM_001362843.2).
Identifiers: ClinVar variation 3338611 (VCV003338611.1).
Genomic context (GRCh38, chr22:41,097,913, plus strand): 5'-CCCAGCTAATTTTTTGTATTTTTAGTAGAGACGGGGTTTCACCATGTTGGCCATGATGGT[C>T]TCGATCTCCTGACCTTGTGAACCTCCCATCTCTGCCTCCCAAAGTGCTGGGATTACAGGC-3'